The following is an entry in ClinVar:

NM_001130987.2(DYSF):c.2734del (p.Trp912fs)

Gene: DYSF (dysferlin; plus strand). Cytogenetic location: 2p13.2.
Variant type: Deletion.
Coding change: c.2734del on transcript NM_001130987.2 (MANE Select); coding-DNA position 2734, one base deleted (T; older notation c.2734delT).
Protein change: p.Trp912fs; shifts the reading frame from tryptophan 912.
Molecular consequence: frameshift variant.
Genome position (GRCh38, 1-based): chr2:71,568,208, T deleted. VCF-style (leftmost placement, unchanged base first): chr2-71568207-CT-C. GRCh37 (hg19) VCF-style: chr2-71795337-CT-C.
Other names: c.2683del, p.Trp895fs (NM_001130455.2, NM_001130983.2); c.2638del, p.Trp880fs (NM_001130976.2, NM_001130977.2); c.2680del, p.Trp894fs (NM_001130978.2, NM_003494.4); c.2773del, p.Trp925fs (NM_001130979.2); c.2731del, p.Trp911fs (NM_001130980.2, NM_001130981.2); c.2776del, p.Trp926fs (NM_001130982.2); c.2641del, p.Trp881fs (NM_001130984.2, NM_001130986.2); c.2734del, p.Trp912fs (NM_001130985.2); short protein forms W880fs, W881fs, W894fs, W895fs, W911fs, W912fs, W925fs, W926fs.
Identifiers: ClinVar variation 5013697 (VCV005013697.1).

ClinVar aggregate classification (germline): Pathogenic (1 of 4 stars; one submission).

Conditions:
Autosomal recessive limb-girdle muscular dystrophy. Identifiers: Orphanet 102015, MedGen C2931907, MONDO:0015152.

Submission:

Myriad Genetics, Inc.
Classification: Pathogenic for Autosomal recessive limb-girdle muscular dystrophy. Last evaluated: 2024-11-01. Review status: criteria provided, single submitter. Criteria: Myriad Autosomal Dominant, Autosomal Recessive and X-Linked Classification Criteria (2023). Collection method: clinical testing. Allele origin: unknown.
Comment: NM_003494.3(DYSF):c.2680delT(W894Gfs*54) is expected to be pathogenic in the context of dysferlinopathy. This variant is predicted to lead to an abnormal or absent protein product due to the creation of a premature termination codon in DYSF, a gene where loss-of-function variants are known to be pathogenic. Please note: this variant was assessed in the context of healthy population screening.